The following is an entry in ClinVar:

ClinVar aggregate classification (germline): Uncertain significance (1 of 4 stars; one submission).

Conditions:
Inborn genetic diseases. Identifiers: MedGen C0950123, MeSH D030342.

gnomAD v4.1: 4 of 1,612,614 alleles (0.00025%); highest among the groups gnomAD compares: Non-Finnish European, 0.00034%; no homozygotes.

Submission:

Ambry Genetics
Classification: Uncertain significance for Inborn genetic diseases. Last evaluated: 2025-03-02. Review status: criteria provided, single submitter. Criteria: Ambry Variant Classification Scheme 2023. Collection method: clinical testing. Allele origin: germline.
Comment: The p.K944N variant (also known as c.2832G>T), located in coding exon 28 of the RTEL1 gene, results from a G to T substitution at nucleotide position 2832. The lysine at codon 944 is replaced by asparagine, an amino acid with similar properties. This amino acid position is conserved. In addition, this alteration is predicted to be tolerated by in silico analysis. Based on the available evidence, the clinical significance of this variant remains unclear.

NM_001283009.2(RTEL1):c.2832G>T (p.Lys944Asn)

Genes: RTEL1 (regulator of telomere elongation helicase 1; plus strand), RTEL1-TNFRSF6B (RTEL1-TNFRSF6B readthrough (NMD candidate); plus strand). Cytogenetic location: 20q13.33.
Variant type: single nucleotide variant.
Coding change: c.2832G>T on transcript NM_001283009.2 (MANE Select); coding-DNA position 2832, G replaced by T.
Protein change: p.Lys944Asn; replaces lysine 944 with asparagine.
Molecular consequence: missense variant. On other transcripts: non-coding transcript variant (1).
Genome position (GRCh38, 1-based): chr20:63,692,984, G>T. VCF-style: chr20-63692984-G-T. GRCh37 (hg19) VCF-style: chr20-62324337-G-T.
Other names: c.2163G>T, p.Lys721Asn (NM_001283010.1); c.2832G>T, p.Lys944Asn (NM_016434.4); c.2904G>T, p.Lys968Asn (NM_032957.5); short protein forms K721N, K944N, K968N.
Identifiers: ClinVar variation 3791192 (VCV003791192.1).
Genomic context (GRCh38, chr20:63,692,984, plus strand): 5'-TTCCGATGACTTCGCCGCCCTGGCCGCCTGTCTCGGCCCCCTCTTTGCTGAGGACCCCAA[G>T]AAGCACAACCTGCTCCAAGGTGCCCTGGCTTGCAGAGGCCACCCACCCTGAGGGCAGTGC-3'
Protein context (NP_001269938.1, residues 934-954): CLGPLFAEDP[Lys944Asn]KHNLLQGFYQ